The following is an entry in ClinVar:

NM_004448.4(ERBB2):c.2738G>A (p.Trp913Ter)

Gene: ERBB2 (erb-b2 receptor tyrosine kinase 2; plus strand). Cytogenetic location: 17q12.
Variant type: single nucleotide variant.
Coding change: c.2738G>A on transcript NM_004448.4 (MANE Select); coding-DNA position 2738, G replaced by A.
Protein change: p.Trp913Ter; replaces tryptophan 913 with a stop codon.
Molecular consequence: nonsense. On other transcripts: non-coding transcript variant (1), intron variant (1).
Genome position (GRCh38, 1-based): chr17:39,725,719, G>A. VCF-style: chr17-39725719-G-A. GRCh37 (hg19) VCF-style: chr17-37881972-G-A.
Other names: c.2648G>A, p.Trp883Ter (NM_001005862.3, NM_001382782.1, NM_001382783.1); c.2693G>A, p.Trp898Ter (NM_001289936.2); c.2738G>A, p.Trp913Ter (NM_001289937.2, NM_001382796.1); c.2855G>A, p.Trp952Ter (NM_001382784.1); c.2840G>A, p.Trp947Ter (NM_001382785.1); c.2819G>A, p.Trp940Ter (NM_001382786.1); c.2813G>A, p.Trp938Ter (NM_001382787.1); c.2768G>A, p.Trp923Ter (NM_001382788.1); and 15 more; short protein forms W851*, W853*, W861*, W880*, W912*, W913*, W952*, W637*.
Identifiers: ClinVar variation 1504987 (VCV001504987.6), dbSNP rs2143060896, ClinGen allele CA399306482.

ClinVar aggregate classification (germline): Uncertain significance (1 of 4 stars; one submission).

Submission:

Labcorp Genetics (formerly Invitae), Labcorp
Classification: Uncertain significance. Last evaluated: 2021-04-16. Review status: criteria provided, single submitter. Criteria: Invitae Variant Classification Sherloc (09022015). Collection method: clinical testing. Allele origin: germline.
Comment: In summary, the available evidence is currently insufficient to determine the role of this variant in disease. Therefore, it has been classified as a Variant of Uncertain Significance. Algorithms developed to predict the effect of sequence changes on RNA splicing suggest that this variant may create or strengthen a splice site, but this prediction has not been confirmed by published transcriptional studies. This variant has not been reported in the literature in individuals with ERBB2-related conditions. This variant is not present in population databases (ExAC no frequency). This sequence change creates a premature translational stop signal (p.Trp913*) in the ERBB2 gene. It is expected to result in an absent or disrupted protein product. However, the current clinical and genetic evidence is not sufficient to establish whether loss-of-function variants in ERBB2 cause disease.